The following is an entry in ClinVar:

NM_212482.4(FN1):c.260G>T (p.Cys87Phe)

Gene: FN1 (fibronectin 1; minus strand). Cytogenetic location: 2q35.
Variant type: single nucleotide variant.
Coding change: c.260G>T on transcript NM_212482.4 (MANE Select); coding-DNA position 260, G replaced by T.
Protein change: p.Cys87Phe; replaces cysteine 87 with phenylalanine.
Molecular consequence: missense variant.
Genome position (GRCh38, 1-based): chr2:215,434,713, C>A on the plus strand (G>T on the coding strand, the complement: FN1 is on the minus strand). VCF-style: chr2-215434713-C-A. GRCh37 (hg19) VCF-style: chr2-216299436-C-A.
Other names: c.260G>T, p.Cys87Phe (NM_001306129.2, NM_001306130.2, NM_001306131.2 and 14 more transcripts); short protein forms C87F.
Identifiers: ClinVar variation 424643 (VCV000424643.3), dbSNP rs1553669703, ClinGen allele CA350480007.

ClinVar aggregate classification (germline): Likely pathogenic. Review status: criteria provided, single submitter (1 of 4 stars). 4 submissions from 4 submitters: Likely pathogenic (1). 3 of the submissions do not count toward it. Last evaluated 2018-10-15.

Conditions:
Spondylometaphyseal dysplasia - Sutcliffe type. Also called: Spondylometaphyseal Dysplasia, Corner Fracture Type; Sutcliffe type of spondylometaphyseal dysplasia; Sutcliffe SMD; Spondylometaphyseal dysplasia, 'corner fracture' type. Identifiers: Orphanet 93315, MedGen C0432221, MONDO:0008479, OMIM 184255.
Spondylometaphyseal dysplasia. Identifiers: Orphanet 254, MedGen C4759767, MONDO:0016763, HP:0002657.

Submissions (4):

SIB Swiss Institute of Bioinformatics
Classification: Likely pathogenic for Spondylometaphyseal dysplasia - Sutcliffe type. Last evaluated: 2018-10-15. Review status: criteria provided, single submitter. Criteria: ACMG Guidelines, 2015. Collection method: curation. Allele origin: germline.
Comment: This variant is interpreted as Likely Pathogenic, for Spondylometaphyseal dysplasia, corner fracture type, autosomal dominant. The following ACMG Tag(s) were applied: PM2 => Absent from controls (or at extremely low frequency if recessive) in Exome Sequencing Project, 1000 Genomes Project, or Exome Aggregation Consortium. PP3 => Multiple lines of computational evidence support a deleterious effect on the gene or gene product. PP1 => Cosegregation with disease in multiple affected family members in a gene definitively known to cause the disease. PM1 => Located in a mutational hot spot and/or critical and well-established functional domain (e.g., active site of an enzyme) without benign variation. PS3-Moderate => PS3 downgraded in strength to Moderate (PubMed 29100092).

OMIM
Classification: Pathogenic for SPONDYLOMETAPHYSEAL DYSPLASIA, CORNER FRACTURE TYPE. Last evaluated: 2017-12-28. Review status: no assertion criteria provided. Collection method: literature only. Allele origin: germline. Not counted in ClinVar's aggregate classification.

CHU Sainte-Justine Research Center, University of Montreal
Classification: Likely pathogenic for Spondylometaphyseal dysplasia. Last evaluated: 2017-02-25. Review status: no assertion criteria provided. Collection method: research. Allele origin: germline. Affected: yes. Not counted in ClinVar's aggregate classification.
Comment: 6 Individuals with novel FN1 mutations and spondylometaphyseal dysplasia

GeneReviews
No classification provided. Condition: Spondylometaphyseal dysplasia - Sutcliffe type. Review status: no classification provided. Collection method: literature only. Allele origin: germline. Not counted in ClinVar's aggregate classification.

Literature cited by the submitters: PubMed 29100092 (cited by 3 submitters); PubMed 15666313 (cited by OMIM); PubMed 32200603 (cited by GeneReviews).